The following is an entry in ClinVar:

ClinVar aggregate classification (germline): Uncertain significance. Review status: criteria provided, multiple submitters, no conflicts (2 of 4 stars). 2 submissions from 2 submitters: Uncertain significance (2). Last evaluated 2026-02-02.

Conditions:
Cystinuria (CSNU). Also called: CYSTINURIA, TYPE I; CYSTINURIA, TYPE II; CYSTINURIA, TYPE III; Cystinuria, non-type I. Identifiers: Orphanet 214, MedGen C0010691, MONDO:0009067, OMIM 220100, HP:0003131.
Cystinuria type A. Identifiers: Orphanet 93612, MedGen C1857388, MONDO:0019745.

Submissions (2):

Dasa
Classification: Uncertain significance for Cystinuria type A. Last evaluated: 2026-02-02. Review status: criteria provided, single submitter. Criteria: DASA Assertion Criteria. Collection method: clinical testing. Allele origin: germline.
Comment: NM_000341.4(SLC3A1):c.851A>C (p.Asp284Ala) is a missense variant that results in the substitution of aspartic acid with alanine. This variant is rare in population databases. Computational prediction algorithms are consistent with a deleterious effect. The currently available literature and clinical evidence are not sufficient to establish a definitive association between this variant and the reported condition. Therefore, this variant is classified as a variant of uncertain significance.

Fulgent Genetics
Classification: Uncertain significance for Cystinuria. Last evaluated: 2024-04-25. Review status: criteria provided, single submitter. Criteria: ACMG Guidelines, 2015. Collection method: clinical testing. Allele origin: germline.

NM_000341.4(SLC3A1):c.851A>C (p.Asp284Ala)

Gene: SLC3A1 (solute carrier family 3 member 1; plus strand). Cytogenetic location: 2p21.
Variant type: single nucleotide variant.
Coding change: c.851A>C on transcript NM_000341.4 (MANE Select); coding-DNA position 851, A replaced by C.
Protein change: p.Asp284Ala; replaces aspartic acid 284 with alanine.
Molecular consequence: missense variant.
Genome position (GRCh38, 1-based): chr2:44,286,117, A>C. VCF-style: chr2-44286117-A-C. GRCh37 (hg19) VCF-style: chr2-44513256-A-C.
Other names: short protein forms D284A.
Identifiers: ClinVar variation 3586637 (VCV003586637.3).